The following is an entry in ClinVar:

NM_004187.5(KDM5C):c.3759G>A (p.Pro1253=)

Gene: KDM5C (lysine demethylase 5C; minus strand). Cytogenetic location: Xp11.22.
Variant type: single nucleotide variant.
Coding change: c.3759G>A on transcript NM_004187.5 (MANE Select); coding-DNA position 3759, G replaced by A.
Protein change: p.Pro1253=; no amino-acid change (proline 1253 retained).
Molecular consequence: synonymous variant. On other transcripts: non-coding transcript variant (3).
Genome position (GRCh38, 1-based): chrX:53,194,418, C>T on the plus strand (G>A on the coding strand, the complement: KDM5C is on the minus strand). VCF-style: chrX-53194418-C-T. GRCh37 (hg19) VCF-style: chrX-53223600-C-T.
Other names: c.3759G>A (NM_004187.3); c.3558G>A, p.Pro1186= (NM_001146702.2); c.3756G>A, p.Pro1252= (NM_001282622.3, NM_001353979.2, NM_001353982.2); c.3759G>A, p.Pro1253= (NM_001353978.3, NM_001353981.2, NM_001353984.2).
Identifiers: ClinVar variation 1600576 (VCV001600576.9), dbSNP rs781847165, ClinGen allele CA10419188.
Genomic context (GRCh38, chrX:53,194,418, plus strand): 5'-GGGCAGCCGCACAGGCAGTCTCTGCAGGGCTACCAGCAGTGCCAGGATGGTCTCCAGGCG[C>T]GGGCGCCTTGAGCGCATACACAGTGGACACAGGAATTTGGTGTCCCATTCCCACCAGGCC-3'
Protein context (NP_004178.2, residues 1243-1263): LCPLCMRSRR[Pro1253=]RLETILALLV

ClinVar aggregate classification (germline): Benign/Likely benign. Review status: criteria provided, multiple submitters, no conflicts (2 of 4 stars). 2 submissions from 2 submitters: Benign (1); Likely benign (1). Last evaluated 2025-03-13.

Conditions:
Spastic paraplegia. Identifiers: MedGen C0037772, HP:0001258.
KDM5C-related disorder. Also called: KDM5C-related condition.

Allele frequency attached by ClinVar (database versions not stated): gnomAD exomes 0.00002; TOPMed 0.00004; ExAC 0.00005; gnomAD 0.00006.
gnomAD v4.1: 31 of 1,210,068 alleles (0.0026%); highest among the groups gnomAD compares: South Asian, 0.0071%; no homozygotes.

Submissions (2):

PreventionGenetics, part of Exact Sciences
Classification: Likely benign for KDM5C-related condition. Last evaluated: 2025-03-13. Review status: criteria provided, single submitter. Criteria: ACMG Guidelines, 2015. Collection method: clinical testing. Allele origin: germline.
Comment: This variant is classified as likely benign based on ACMG/AMP sequence variant interpretation guidelines (Richards et al. 2015 PMID: 25741868, with internal and published modifications).

Labcorp Genetics (formerly Invitae), Labcorp
Classification: Benign for Spastic paraplegia. Last evaluated: 2024-02-29. Review status: criteria provided, single submitter. Criteria: Invitae Variant Classification Sherloc (09022015). Collection method: clinical testing. Allele origin: germline.